The following is an entry in ClinVar:

ClinVar aggregate classification (germline): Conflicting classifications of pathogenicity. Review status: criteria provided, conflicting classifications (1 of 4 stars). 7 submissions from 7 submitters: Uncertain significance (1); Likely benign (6). Last evaluated 2025-12-03.

Conditions:
Catecholaminergic polymorphic ventricular tachycardia (CVPT). Also called: Catecholamine-induced polymorphic ventricular tachycardia. Identifiers: Orphanet 3286, MedGen C5574922, MONDO:0017990.
Catecholaminergic polymorphic ventricular tachycardia 1. Also called: VENTRICULAR TACHYCARDIA, STRESS-INDUCED POLYMORPHIC 1; VENTRICULAR TACHYCARDIA, CATECHOLAMINERGIC POLYMORPHIC, 1, WITH OR WITHOUT ATRIAL DYSFUNCTION AND/OR DILATED CARDIOMYOPATHY; RYR2-Related Catecholaminergic Polymorphic Ventricular Tachycardia. Identifiers: Orphanet 3286, MedGen C1631597, MONDO:0011484, OMIM 604772.
Cardiomyopathy (CMYO). Also called: Cardiomyopathies. Identifiers: Orphanet 167848, MedGen C0878544, MONDO:0004994, HP:0001638. Inheritance: Various modes of inheritance.

Allele frequency attached by ClinVar (database versions not stated): ExAC 0.00003; gnomAD exomes 0.00003 and 0.00004; gnomAD 0.00006 and 0.00008; TOPMed 0.00012.
gnomAD v4.1: 67 of 1,577,866 alleles (0.0042%); highest among the groups gnomAD compares: Admixed American, 0.015%; no homozygotes.

Submissions (7):

Labcorp Genetics (formerly Invitae), Labcorp
Classification: Likely benign for Catecholaminergic polymorphic ventricular tachycardia 1. Last evaluated: 2025-12-03. Review status: criteria provided, single submitter. Criteria: Invitae Variant Classification Sherloc (09022015). Collection method: clinical testing. Allele origin: germline.

Molecular Diagnostic Laboratory for Inherited Cardiovascular Disease, Montreal Heart Institute
Classification: Likely benign. Last evaluated: 2025-04-09. Review status: criteria provided, single submitter. Criteria: ACMG Guidelines, 2015. Collection method: clinical testing. Allele origin: germline. Affected: no.

Women's Health and Genetics/Laboratory Corporation of America, LabCorp
Classification: Likely benign. Last evaluated: 2024-05-06. Review status: criteria provided, single submitter. Criteria: LabCorp Variant Classification Summary - May 2015. Collection method: clinical testing. Allele origin: germline.

All of Us Research Program, National Institutes of Health
Classification: Likely benign for Catecholaminergic polymorphic ventricular tachycardia. Last evaluated: 2024-02-05. Review status: criteria provided, single submitter. Criteria: ACMG Guidelines, 2015. Collection method: clinical testing. Allele origin: germline. Inheritance: Autosomal dominant inheritance. Observed: 13 variant alleles, 13 heterozygotes.
Comment: This study involves interpretation of variants in research participants for the purpose of population health screening. Participant phenotype was not available at the time of variant classification. Additional details can be found in publication PMID: 35346344, PMCID: PMC8962531

Blueprint Genetics
Classification: Likely benign. Last evaluated: 2023-03-28. Review status: criteria provided, single submitter. Criteria: ACMG Guidelines, 2015. Collection method: clinical testing. Allele origin: germline.

Laboratory for Molecular Medicine, Mass General Brigham Personalized Medicine
Classification: Uncertain significance. Last evaluated: 2020-01-08. Review status: criteria provided, single submitter. Criteria: LMM Criteria. Collection method: clinical testing. Allele origin: germline. Observed: 1 variant allele.
Comment: The c.13329-11T>G variant in RYR2 has not been previously reported in individuals with cardiomyopathy, but has been identified in 5/98830 European chromosomes by gnomAD. This variant is located in the 3' splice region. Computational tools do not suggest an impact to splicing. However, this information is not predictive enough to rule out pathogenicity. In summary, the clinical significance of the c.13329-11T>G variant is uncertain. ACMG/AMP criteria applied: BP4.

Color Diagnostics, LLC DBA Color Health
Classification: Likely benign for Cardiomyopathy. Last evaluated: 2019-05-13. Review status: criteria provided, single submitter. Criteria: ACMG Guidelines, 2015. Collection method: clinical testing. Allele origin: germline.

NM_001035.3(RYR2):c.13329-11T>G

Gene: RYR2 (ryanodine receptor 2; plus strand). Cytogenetic location: 1q43.
Variant type: single nucleotide variant.
Coding change: c.13329-11T>G on transcript NM_001035.3 (MANE Select); 11 bases into the intron before coding-DNA position 13329, T replaced by G.
Molecular consequence: intron variant.
Genome position (GRCh38, 1-based): chr1:237,787,977, T>G. VCF-style: chr1-237787977-T-G. GRCh37 (hg19) VCF-style: chr1-237951277-T-G.
Identifiers: ClinVar variation 229210 (VCV000229210.21), dbSNP rs778172821, ClinGen allele CA085346.
Genomic context (GRCh38, chr1:237,787,977, plus strand): 5'-TAATTTTCCACAACACCCGTTTAGTTCTTTAGTTTCTGGAGAGCTTATGTTTTGTTTGTT[T>G]GTTTTCATAGGGGAGAAGATGGAGAAAAAGAAGAGAAAGCCAAGGAAGACAAGGGCAAAC-3'